The following is an entry in ClinVar:

NM_002317.7(LOX):c.959A>T (p.Lys320Ile)

Genes: LOX (lysyl oxidase; minus strand), SRFBP1 (serum response factor binding protein 1; plus strand). Cytogenetic location: 5q23.1.
Variant type: single nucleotide variant.
Coding change: c.959A>T on transcript NM_002317.7 (MANE Select); coding-DNA position 959, A replaced by T.
Protein change: p.Lys320Ile; replaces lysine 320 with isoleucine.
Molecular consequence: missense variant.
Genome position (GRCh38, 1-based): chr5:122,074,089, T>A on the plus strand (A>T on the coding strand, the complement: LOX is on the minus strand). VCF-style: chr5-122074089-T-A. GRCh37 (hg19) VCF-style: chr5-121409784-T-A.
Other names: c.269A>T, p.Lys90Ile (NM_001178102.2); c.68A>T, p.Lys23Ile (NM_001317073.1); short protein forms K23I, K320I, K90I.
Identifiers: ClinVar variation 3222078 (VCV003222078.1), dbSNP rs2532908336, ClinGen allele CA360881614.

ClinVar aggregate classification (germline): Uncertain significance (1 of 4 stars; one submission).

Conditions:
Cardiovascular phenotype. Identifiers: MedGen CN230736.

Submission:

Ambry Genetics
Classification: Uncertain significance for Cardiovascular phenotype. Last evaluated: 2022-11-27. Review status: criteria provided, single submitter. Criteria: Ambry Variant Classification Scheme 2023. Collection method: clinical testing. Allele origin: germline.
Comment: The p.K320I variant (also known as c.959A>T), located in coding exon 4 of the LOX gene, results from an A to T substitution at nucleotide position 959. The lysine at codon 320 is replaced by isoleucine, an amino acid with dissimilar properties. This amino acid position is conserved. In addition, this alteration is predicted to be deleterious by in silico analysis. Since supporting evidence is limited at this time, the clinical significance of this alteration remains unclear.